The following is an entry in ClinVar:

NM_001003722.2(GLE1):c.1965-1G>C

Genes: GLE1 (GLE1 RNA export mediator; plus strand), LOC101929270 (uncharacterized LOC101929270; minus strand). Cytogenetic location: 9q34.11.
Variant type: single nucleotide variant.
Coding change: c.1965-1G>C on transcript NM_001003722.2 (MANE Select); the canonical splice acceptor site of the intron before coding-DNA position 1965, G replaced by C.
Molecular consequence: splice acceptor variant.
Genome position (GRCh38, 1-based): chr9:128,540,274, G>C. VCF-style: chr9-128540274-G-C. GRCh37 (hg19) VCF-style: chr9-131302553-G-C.
Other names: c.1992-1G>C (NM_001411013.1).
Identifiers: ClinVar variation 2979567 (VCV002979567.3), dbSNP rs1847847959, ClinGen allele CA375046077.

ClinVar aggregate classification (germline): Likely pathogenic (1 of 4 stars; one submission).

Allele frequency attached by ClinVar (database versions not stated): gnomAD exomes below 0.00001.
gnomAD v4.1: 1 of 1,595,398 alleles (0.000063%); highest among the groups gnomAD compares: East Asian, 0.0022%; no homozygotes.

Submission:

Labcorp Genetics (formerly Invitae), Labcorp
Classification: Likely pathogenic. Last evaluated: 2023-05-20. Review status: criteria provided, single submitter. Criteria: Invitae Variant Classification Sherloc (09022015). Collection method: clinical testing. Allele origin: germline.
Comment: Algorithms developed to predict the effect of sequence changes on RNA splicing suggest that this variant may disrupt the consensus splice site. In summary, the currently available evidence indicates that the variant is pathogenic, but additional data are needed to prove that conclusively. Therefore, this variant has been classified as Likely Pathogenic. This variant has not been reported in the literature in individuals affected with GLE1-related conditions. This sequence change affects an acceptor splice site in intron 14 of the GLE1 gene. It is expected to disrupt RNA splicing. Variants that disrupt the donor or acceptor splice site typically lead to a loss of protein function (PMID: 16199547), and loss-of-function variants in GLE1 are known to be pathogenic (PMID: 18204449, 24243016, 27684565). This variant is not present in population databases (gnomAD no frequency).

Literature cited by the submitters: PubMed 16199547; PubMed 18204449; PubMed 24243016; PubMed 27684565.